The following is an entry in ClinVar:

ClinVar aggregate classification (germline): Pathogenic (1 of 4 stars; one submission).

Conditions:
Peroxisome biogenesis disorder 3A (Zellweger). Also called: Peroxisome biogenesis disorder 3A; PEROXISOMAL BIOGENESIS DISORDER 3A (ZELLWEGER). Identifiers: Orphanet 912, MedGen C3553929, MONDO:0013927, OMIM 614859.

Submission:

Labcorp Genetics (formerly Invitae), Labcorp
Classification: Pathogenic for Peroxisome biogenesis disorder 3A (Zellweger). Last evaluated: 2021-12-29. Review status: criteria provided, single submitter. Criteria: Invitae Variant Classification Sherloc (09022015). Collection method: clinical testing. Allele origin: germline.
Comment: For these reasons, this variant has been classified as Pathogenic. This variant has not been reported in the literature in individuals affected with PEX12-related conditions. This variant is not present in population databases (gnomAD no frequency). This sequence change creates a premature translational stop signal (p.Phe8Thrfs*18) in the PEX12 gene. It is expected to result in an absent or disrupted protein product. Loss-of-function variants in PEX12 are known to be pathogenic (PMID: 9090384, 9632816, 21031596).

Literature cited by the submitters: PubMed 9090384; PubMed 9632816; PubMed 21031596.

NM_000286.3(PEX12):c.20_21dup (p.Phe8fs)

Gene: PEX12 (peroxisomal biogenesis factor 12; minus strand). Cytogenetic location: 17q12.
Variant type: Duplication.
Coding change: c.20_21dup on transcript NM_000286.3 (MANE Select); coding-DNA positions 20 to 21, 2 bases duplicated (AC; older notation c.20_21dupAC).
Protein change: p.Phe8fs; shifts the reading frame from phenylalanine 8.
Molecular consequence: frameshift variant.
Genome position (GRCh38, 1-based): chr17:35,578,001-35,578,002, GT duplicated on the plus strand (AC on the coding strand, the reverse complement: PEX12 is on the minus strand); duplicating any 2 consecutive bases within chr17:35,578,001-35,578,003 gives the same sequence; the c. name uses the placement nearest the transcript's 3' end. VCF-style (leftmost placement, unchanged base first): chr17-35578000-A-AGT. GRCh37 (hg19) VCF-style: chr17-33905019-A-AGT.
Other names: short protein forms F8fs.
Identifiers: ClinVar variation 2064933 (VCV002064933.4), dbSNP rs2509171635, ClinGen allele CA2580093625.